The following is an entry in ClinVar:

NM_001943.5(DSG2):c.1355T>C (p.Leu452Pro)

Gene: DSG2 (desmoglein 2; plus strand). Cytogenetic location: 18q12.1.
Variant type: single nucleotide variant.
Coding change: c.1355T>C on transcript NM_001943.5 (MANE Select); coding-DNA position 1355, T replaced by C.
Protein change: p.Leu452Pro; replaces leucine 452 with proline.
Molecular consequence: missense variant.
Genome position (GRCh38, 1-based): chr18:31,535,344, T>C. VCF-style: chr18-31535344-T-C. GRCh37 (hg19) VCF-style: chr18-29115307-T-C.
Other names: short protein forms L452P.
Identifiers: ClinVar variation 1770694 (VCV001770694.2), dbSNP rs763810935, ClinGen allele CA042185.

ClinVar aggregate classification (germline): Uncertain significance (1 of 4 stars; one submission).

Conditions:
Cardiovascular phenotype. Identifiers: MedGen CN230736.

Allele frequency attached by ClinVar (database versions not stated): ExAC 0.00001.
gnomAD v4.1: 1 of 1,610,530 alleles (0.000062%); highest among the groups gnomAD compares: Non-Finnish European, 0.000085%; no homozygotes.

Submission:

Ambry Genetics
Classification: Uncertain significance for Cardiovascular phenotype. Last evaluated: 2021-07-15. Review status: criteria provided, single submitter. Criteria: Ambry Variant Classification Scheme 2023. Collection method: clinical testing. Allele origin: germline.
Comment: The p.L452P variant (also known as c.1355T>C), located in coding exon 10 of the DSG2 gene, results from a T to C substitution at nucleotide position 1355. The leucine at codon 452 is replaced by proline, an amino acid with similar properties. This amino acid position is conserved. In addition, this alteration is predicted to be tolerated by in silico analysis. Since supporting evidence is limited at this time, the clinical significance of this alteration remains unclear.